The following is an entry in ClinVar:

ClinVar aggregate classification (germline): Uncertain significance (1 of 4 stars; one submission).

Submission:

GeneDx
Classification: Uncertain significance. Last evaluated: 2019-11-01. Review status: criteria provided, single submitter. Criteria: GeneDx Variant Classification Process June 2021. Collection method: clinical testing. Allele origin: germline. Affected: yes.
Comment: Not observed in large population cohorts (Lek et al., 2016); In silico analysis, which includes splice predictors and evolutionary conservation, supports that this variant does not alter protein structure/function; Has not been previously published as pathogenic or benign to our knowledge

NM_001244008.2(KIF1A):c.2767G>A (p.Asp923Asn)

Gene: KIF1A (kinesin family member 1A; minus strand). Cytogenetic location: 2q37.3.
Variant type: single nucleotide variant.
Coding change: c.2767G>A on transcript NM_001244008.2 (MANE Select); coding-DNA position 2767, G replaced by A.
Protein change: p.Asp923Asn; replaces aspartic acid 923 with asparagine.
Molecular consequence: missense variant. On other transcripts: intron variant (18).
Genome position (GRCh38, 1-based): chr2:240,757,410, C>T on the plus strand (G>A on the coding strand, the complement: KIF1A is on the minus strand). VCF-style: chr2-240757410-C-T. GRCh37 (hg19) VCF-style: chr2-241696827-C-T.
Other names: c.2842G>A, p.Asp948Asn (NM_001379631.1); c.2716G>A, p.Asp906Asn (NM_001379632.1); c.2740G>A, p.Asp914Asn (NM_001379633.1, NM_001379642.1, NM_001379645.1); c.2555+950G>A (NM_001379653.1, NM_001379650.1, NM_001379640.1 and 6 more transcripts); c.2657+950G>A (NM_001379635.1, NM_001330290.2, NM_001379646.1 and 1 more transcripts); c.2630+950G>A (NM_001379637.1, NM_001379648.1); c.2582+950G>A (NM_001320705.2, NM_001379638.1, NM_001330289.2); short protein forms D906N, D914N, D923N, D948N.
Identifiers: ClinVar variation 1309865 (VCV001309865.2), dbSNP rs2049978668, ClinGen allele CA351321583.
Genomic context (GRCh38, chr2:240,757,410, plus strand): 5'-CGTAAAACGGGTCCCGGCCGTCGCACAGCGCGTGCTCCGGAAAGACGTCGTCCTCCAGGT[C>T]CTCCTCCTCCTCATCCTCCTCCTCCTCCTCCTCCTCCTCCTCCTCCCCCACGCTCTGCTC-3'
Protein context (NP_001230937.1, residues 913-933): EEEEEDEEEE[Asp923Asn]LEDDVFPEHA